The following is an entry in ClinVar:

ClinVar aggregate classification (germline): Uncertain significance. Review status: criteria provided, multiple submitters, no conflicts (2 of 4 stars). 2 submissions from 2 submitters: Uncertain significance (2). Last evaluated 2024-10-17.

Conditions:
Cardiovascular phenotype. Identifiers: MedGen CN230736.

Allele frequency attached by ClinVar (database versions not stated): gnomAD exomes 0.00001.
gnomAD v4.1: 12 of 1,550,432 alleles (0.00077%); highest among the groups gnomAD compares: Non-Finnish European, 0.001%; no homozygotes.

Submissions (2):

GeneDx
Classification: Uncertain significance. Last evaluated: 2024-10-17. Review status: criteria provided, single submitter. Criteria: GeneDx Variant Classification Process June 2021. Collection method: clinical testing. Allele origin: germline. Affected: yes.
Comment: Not observed at significant frequency in large population cohorts (gnomAD); In silico analysis indicates that this missense variant does not alter protein structure/function; Has not been previously published as pathogenic or benign to our knowledge

Ambry Genetics
Classification: Uncertain significance for Cardiovascular phenotype. Last evaluated: 2021-12-03. Review status: criteria provided, single submitter. Criteria: Ambry Variant Classification Scheme 2023. Collection method: clinical testing. Allele origin: germline.
Comment: The p.L1694P variant (also known as c.5081T>C), located in coding exon 2 of the ZNF469 gene, results from a T to C substitution at nucleotide position 5081. The leucine at codon 1694 is replaced by proline, an amino acid with similar properties. This amino acid position is conserved. In addition, this alteration is predicted to be tolerated by in silico analysis. Since supporting evidence is limited at this time, the clinical significance of this alteration remains unclear.

NM_001367624.2(ZNF469):c.5165T>C (p.Leu1722Pro)

Gene: ZNF469 (zinc finger protein 469; plus strand). Cytogenetic location: 16q24.2.
Variant type: single nucleotide variant.
Coding change: c.5165T>C on transcript NM_001367624.2 (MANE Select); coding-DNA position 5165, T replaced by C.
Protein change: p.Leu1722Pro; replaces leucine 1722 with proline.
Molecular consequence: missense variant.
Genome position (GRCh38, 1-based): chr16:88,432,635, T>C. VCF-style: chr16-88432635-T-C. GRCh37 (hg19) VCF-style: chr16-88499043-T-C.
Other names: NM_001127464.1:c.5081T>C; short protein forms L1722P.
Identifiers: ClinVar variation 1745228 (VCV001745228.3), dbSNP rs1260690965, ClinGen allele CA397095621.
Genomic context (GRCh38, chr16:88,432,635, plus strand): 5'-CCTCCAAGACTGGACTTTGCCAGGCAGAAGGAGACAGCAGGCCCCCCCAAGATGTCTGCC[T>C]GCCTGAGCCCAGCAAGCAGCCTGGCCCACAGCTGGATGCCGGGAGTTTAGCAAAGTGCAG-3'
Protein context (NP_001354553.1, residues 1712-1732): GDSRPPQDVC[Leu1722Pro]PEPSKQPGPQ